The following is an entry in ClinVar:

NM_000064.4(C3):c.2296G>C (p.Glu766Gln)

Gene: C3 (complement C3; minus strand). Cytogenetic location: 19p13.3.
Variant type: single nucleotide variant.
Coding change: c.2296G>C on transcript NM_000064.4 (MANE Select); coding-DNA position 2296, G replaced by C.
Protein change: p.Glu766Gln; replaces glutamic acid 766 with glutamine.
Molecular consequence: missense variant.
Genome position (GRCh38, 1-based): chr19:6,702,529, C>G on the plus strand (G>C on the coding strand, the complement: C3 is on the minus strand). VCF-style: chr19-6702529-C-G. GRCh37 (hg19) VCF-style: chr19-6702540-C-G.
Other names: short protein forms E766Q.
Identifiers: ClinVar variation 4280159 (VCV004280159.1).

ClinVar aggregate classification (germline): Uncertain significance (1 of 4 stars; one submission).

Conditions:
Complement component 3 deficiency. Identifiers: Orphanet 280133, MedGen C3151071, MONDO:0013417, OMIM 613779.
C3 glomerulonephritis. Also called: Nephropathy due to CFHR5 Deficiency; C3 GLOMERULOPATHY 3. Identifiers: Orphanet 329931, MedGen C4055342, MONDO:0013892, OMIM 614809.
Atypical hemolytic-uremic syndrome. Identifiers: Orphanet 2134, MedGen C2931788, MONDO:0016244.

Submission:

Genomenon, Inc
Classification: Uncertain significance for Complement component 3 deficiency; C3 glomerulonephritis; Atypical hemolytic-uremic syndrome. Last evaluated: 2025-09-30. Review status: criteria provided, single submitter. Criteria: Genomenon Sequence Variant Interpretation Standards. Collection method: curation. Allele origin: germline. Affected: no.
Comment: C3 p.Glu766Gln (c.2296G>C) is a missense variant that changes the amino acid at residue 766 from Glutamic acid to Glutamine. This variant has been reported in the published literature (PMID:9988761). It is absent or not present at a significant frequency in gnomAD. In silico models agree that this variant is not damaging. In conclusion, we classify C3 p.Glu766Gln (c.2296G>C) as a variant of unknown significance.

Literature cited by the submitters: PubMed 9988761.